The following is an entry in ClinVar:

NM_182914.3(SYNE2):c.13554+6del

Gene: SYNE2 (spectrin repeat containing nuclear envelope protein 2; plus strand). Cytogenetic location: 14q23.2.
Variant type: Deletion.
Coding change: c.13554+6del on transcript NM_182914.3 (MANE Select); 6 bases into the intron after coding-DNA position 13554, one base deleted (A; older notation c.13554+6delA).
Molecular consequence: intron variant.
Genome position (GRCh38, 1-based): chr14:64,125,216, A deleted; the last of 2 consecutive A bases (chr14:64,125,215-64,125,216); deleting either gives the same sequence. VCF-style (leftmost placement, unchanged base first): chr14-64125214-GA-G. GRCh37 (hg19) VCF-style: chr14-64591932-GA-G.
Other names: c.13554+6del (NM_015180.6).
Identifiers: ClinVar variation 1019455 (VCV001019455.8), dbSNP rs772829991, ClinGen allele CA7222480.

ClinVar aggregate classification (germline): Uncertain significance (1 of 4 stars; one submission).

Conditions:
Emery-Dreifuss muscular dystrophy 5, autosomal dominant (EDMD5). Also called: EMERY-DREIFUSS MUSCULAR DYSTROPHY 5. Identifiers: Orphanet 261, MedGen C2751805, MONDO:0013072, OMIM 612999.

Submission:

Labcorp Genetics (formerly Invitae), Labcorp
Classification: Uncertain significance for Emery-Dreifuss muscular dystrophy 5, autosomal dominant. Last evaluated: 2022-12-16. Review status: criteria provided, single submitter. Criteria: Invitae Variant Classification Sherloc (09022015). Collection method: clinical testing. Allele origin: germline.
Comment: This sequence change falls in intron 71 of the SYNE2 gene. It does not directly change the encoded amino acid sequence of the SYNE2 protein. It affects a nucleotide within the consensus splice site. This variant is present in population databases (rs772829991, gnomAD 0.01%). This variant has not been reported in the literature in individuals affected with SYNE2-related conditions. ClinVar contains an entry for this variant (Variation ID: 1019455). Variants that disrupt the consensus splice site are a relatively common cause of aberrant splicing (PMID: 17576681, 9536098). Algorithms developed to predict the effect of sequence changes on RNA splicing suggest that this variant is not likely to affect RNA splicing. In summary, the available evidence is currently insufficient to determine the role of this variant in disease. Therefore, it has been classified as a Variant of Uncertain Significance.

Literature cited by the submitters: PubMed 17576681; PubMed 9536098.